The following is an entry in ClinVar:

ClinVar aggregate classification (germline): Benign/Likely benign. Review status: criteria provided, multiple submitters, no conflicts (2 of 4 stars). 12 submissions from 11 submitters: Benign (6); Likely benign (3). 3 of the submissions do not count toward it. Last evaluated 2026-02-03.

Conditions:
Catecholaminergic polymorphic ventricular tachycardia 1. Also called: RYR2-Related Catecholaminergic Polymorphic Ventricular Tachycardia; VENTRICULAR TACHYCARDIA, STRESS-INDUCED POLYMORPHIC 1; VENTRICULAR TACHYCARDIA, CATECHOLAMINERGIC POLYMORPHIC, 1, WITH OR WITHOUT ATRIAL DYSFUNCTION AND/OR DILATED CARDIOMYOPATHY. Identifiers: Orphanet 3286, MedGen C1631597, MONDO:0011484, OMIM 604772.
Arrhythmogenic right ventricular dysplasia 2. Identifiers: MedGen C1832931.

Allele frequency attached by ClinVar (database versions not stated): ESP Exome Variant Server 0.00033; gnomAD exomes 0.00136 and 0.00342; gnomAD 0.00156 and 0.00202; TOPMed 0.00201; ExAC 0.00311; 1000 Genomes Project 30x 0.00968; 1000 Genomes Project 0.01038.
gnomAD v4.1: 2,175 of 1,441,648 alleles (0.15%); highest among the groups gnomAD compares: East Asian, 4.2%; 52 homozygotes.

Submissions (12):

Labcorp Genetics (formerly Invitae), Labcorp
Classification: Benign for Catecholaminergic polymorphic ventricular tachycardia 1. Last evaluated: 2026-02-03. Review status: criteria provided, single submitter. Criteria: Invitae Variant Classification Sherloc (09022015). Collection method: clinical testing. Allele origin: germline.

ARUP Laboratories, Molecular Genetics and Genomics, ARUP Laboratories
Classification: Benign. Last evaluated: 2024-09-12. Review status: criteria provided, single submitter. Criteria: ARUP Molecular Germline Variant Investigation Process 2024. Collection method: clinical testing. Allele origin: germline.

Women's Health and Genetics/Laboratory Corporation of America, LabCorp
Classification: Benign. Last evaluated: 2021-09-22. Review status: criteria provided, single submitter. Criteria: LabCorp Variant Classification Summary - May 2015. Collection method: clinical testing. Allele origin: germline.

Illumina Laboratory Services, Illumina
Classification: Likely benign for Catecholaminergic polymorphic ventricular tachycardia 1. Last evaluated: 2018-01-13. Review status: criteria provided, single submitter. Criteria: ICSL Variant Classification Criteria 13 December 2019. Collection method: clinical testing. Allele origin: germline.
Comment: This variant was observed in the ICSL laboratory as part of a predisposition screen in an ostensibly healthy population. It had not been previously curated by ICSL or reported in the Human Gene Mutation Database (HGMD: prior to June 1st, 2018), and was therefore a candidate for classification through an automated scoring system. Utilizing variant allele frequency, disease prevalence and penetrance estimates, and inheritance mode, an automated score was calculated to assess if this variant is too frequent to cause the disease. Based on the score and internal cut-off values, a variant classified as likely benign is not then subjected to further curation. The score for this variant resulted in a classification of likely benign for this disease.

Illumina Laboratory Services, Illumina
Classification: Benign for Catecholaminergic polymorphic ventricular tachycardia 1. Last evaluated: 2018-01-13. Review status: criteria provided, single submitter. Criteria: ICSL Variant Classification Criteria 13 December 2019. Collection method: clinical testing. Allele origin: germline.
Comment: This variant was observed in the ICSL laboratory as part of a predisposition screen in an ostensibly healthy population. It had not been previously curated by ICSL or reported in the Human Gene Mutation Database (HGMD: prior to June 1st, 2018), and was therefore a candidate for classification through an automated scoring system. Utilizing variant allele frequency, disease prevalence and penetrance estimates, and inheritance mode, an automated score was calculated to assess if this variant is too frequent to cause the disease. Based on the score and internal cut-off values, a variant classified as benign is not then subjected to further curation. The score for this variant resulted in a classification of benign for this disease.

GeneDx
Classification: Benign. Last evaluated: 2015-03-03. Review status: criteria provided, single submitter. Criteria: GeneDx Variant Classification Process June 2021. Collection method: clinical testing. Allele origin: germline. Affected: yes.

Laboratory for Molecular Medicine, Mass General Brigham Personalized Medicine
Classification: Benign. Last evaluated: 2014-05-14. Review status: criteria provided, single submitter. Criteria: LMM Criteria. Collection method: clinical testing. Allele origin: germline. Observed: 5 variant alleles.

Breakthrough Genomics
Classification: Likely benign. Review status: criteria provided, single submitter. Criteria: ACMG Guidelines, 2015. Collection method: not provided. Allele origin: germline. Inheritance: Autosomal dominant inheritance. Affected: yes.

PreventionGenetics, part of Exact Sciences
Classification: Likely benign. Review status: criteria provided, single submitter. Criteria: ACMG Guidelines, 2015. Collection method: clinical testing. Allele origin: germline.

Clinical Genetics DNA and cytogenetics Diagnostics Lab, Erasmus MC, Erasmus Medical Center
Classification: Benign. Review status: no assertion criteria provided. Collection method: clinical testing. Allele origin: germline. Affected: yes. Study: VKGL Data-share Consensus. Not counted in ClinVar's aggregate classification.

Clinical Genetics, Academic Medical Center
Classification: Benign. Review status: no assertion criteria provided. Collection method: clinical testing. Allele origin: germline. Affected: yes. Study: VKGL Data-share Consensus. Not counted in ClinVar's aggregate classification.

Genome Diagnostics Laboratory, University Medical Center Utrecht
Classification: Benign. Review status: no assertion criteria provided. Collection method: clinical testing. Allele origin: germline. Affected: yes. Study: VKGL Data-share Consensus. Not counted in ClinVar's aggregate classification.

NM_001035.3(RYR2):c.14756+12C>T

Gene: RYR2 (ryanodine receptor 2; plus strand). Cytogenetic location: 1q43.
Variant type: single nucleotide variant.
Coding change: c.14756+12C>T on transcript NM_001035.3 (MANE Select); 12 bases into the intron after coding-DNA position 14756, C replaced by T.
Molecular consequence: intron variant.
Genome position (GRCh38, 1-based): chr1:237,830,642, C>T. VCF-style: chr1-237830642-C-T. GRCh37 (hg19) VCF-style: chr1-237993942-C-T.
Identifiers: ClinVar variation 177965 (VCV000177965.27), dbSNP rs2275693, ClinGen allele CA008368.